The following is an entry in ClinVar:

NM_203475.3(PORCN):c.686+5G>C

Gene: PORCN (porcupine O-acyltransferase; plus strand). Cytogenetic location: Xp11.23.
Variant type: single nucleotide variant.
Coding change: c.686+5G>C on transcript NM_203475.3 (MANE Select); 5 bases into the intron after coding-DNA position 686, G replaced by C.
Molecular consequence: intron variant.
Genome position (GRCh38, 1-based): chrX:48,512,724, G>C. VCF-style: chrX-48512724-G-C. GRCh37 (hg19) VCF-style: chrX-48371112-G-C.
Other names: c.1025+5G>C (NM_001441333.1, NM_001441334.1); c.878+5G>C (NM_001441336.1); c.791+5G>C (NM_001441335.1); c.473+5G>C (NM_001282167.2); c.686+5G>C (NM_203473.3, NM_022825.4, NM_203474.1).
Identifiers: ClinVar variation 4812277 (VCV004812277.1).

ClinVar aggregate classification (germline): Uncertain significance (1 of 4 stars; one submission).

Submission:

Labcorp Genetics (formerly Invitae), Labcorp
Classification: Uncertain significance. Last evaluated: 2025-09-10. Review status: criteria provided, single submitter. Criteria: Invitae Variant Classification Sherloc (09022015). Collection method: clinical testing. Allele origin: germline.
Comment: This sequence change falls in intron 6 of the PORCN gene. It does not directly change the encoded amino acid sequence of the PORCN protein. It affects a nucleotide within the consensus splice site. This variant is not present in population databases (gnomAD no frequency). This variant has not been reported in the literature in individuals affected with PORCN-related conditions. Variants that disrupt the consensus splice site are a relatively common cause of aberrant splicing (PMID: 17576681, 9536098). Algorithms developed to predict the effect of sequence changes on RNA splicing suggest that this variant may disrupt the consensus splice site. In summary, the available evidence is currently insufficient to determine the role of this variant in disease. Therefore, it has been classified as a Variant of Uncertain Significance.

Literature cited by the submitters: PubMed 17576681; PubMed 9536098.